The following is an entry in ClinVar:

NM_004329.3(BMPR1A):c.430+10C>T

Gene: BMPR1A (bone morphogenetic protein receptor type 1A; plus strand). Cytogenetic location: 10q23.2.
Variant type: single nucleotide variant.
Coding change: c.430+10C>T on transcript NM_004329.3 (MANE Select); 10 bases into the intron after coding-DNA position 430, C replaced by T.
Molecular consequence: intron variant.
Genome position (GRCh38, 1-based): chr10:86,899,900, C>T. VCF-style: chr10-86899900-C-T. GRCh37 (hg19) VCF-style: chr10-88659657-C-T.
Identifiers: ClinVar variation 496224 (VCV000496224.13), dbSNP rs863224395, ClinGen allele CA658683568.

ClinVar aggregate classification (germline): Conflicting classifications of pathogenicity. Review status: criteria provided, conflicting classifications (1 of 4 stars). 4 submissions from 4 submitters: Uncertain significance (2); Likely benign (2). Last evaluated 2025-11-22.

Conditions:
Juvenile polyposis syndrome (JPS). Identifiers: Orphanet 2929, MedGen C0345893, MONDO:0017380, OMIM 174900.
Hereditary cancer-predisposing syndrome. Also called: Tumor predisposition; Hereditary neoplastic syndrome; Neoplastic Syndromes, Hereditary; Hereditary Cancer Syndrome. Identifiers: Orphanet 140162, MedGen C0027672, MeSH D009386, MONDO:0015356.

Allele frequency attached by ClinVar (database versions not stated): TOPMed below 0.00001.

Submissions (4):

Labcorp Genetics (formerly Invitae), Labcorp
Classification: Likely benign for Juvenile polyposis syndrome. Last evaluated: 2025-11-22. Review status: criteria provided, single submitter. Criteria: Invitae Variant Classification Sherloc (09022015). Collection method: clinical testing. Allele origin: germline.

Women's Health and Genetics/Laboratory Corporation of America, LabCorp
Classification: Likely benign. Last evaluated: 2023-10-09. Review status: criteria provided, single submitter. Criteria: LabCorp Variant Classification Summary - May 2015. Collection method: clinical testing. Allele origin: germline.
Comment: Variant summary: BMPR1A c.430+10C>T alters a non-conserved nucleotide located at a position not widely known to affect splicing. The variant was absent in 251416 control chromosomes. The available data on variant occurrences in the general population are insufficient to allow any conclusion about variant significance. c.430+10C>T has been reported in the literature. This report does not provide unequivocal conclusions about association of the variant with Juvenile Polyposis Syndrome. To our knowledge, no experimental evidence demonstrating an impact on protein function has been reported. The following publication have been ascertained in the context of this evaluation (PMID: 28135145). Three submitters have cited clinical-significance assessments for this variant to ClinVar after 2014 and classified as likely benign (n=1) and VUS (n=2). Based on the evidence outlined above, the variant was classified as likely benign.

Sema4
Classification: Uncertain significance for Hereditary cancer-predisposing syndrome. Last evaluated: 2021-09-20. Review status: criteria provided, single submitter. Criteria: Sema4 Curation Guidelines. Collection method: curation. Allele origin: germline.
Comment: The BMPR1A c.430+10C>T variant has been reported in at least one individual with coloretal cancer (PMID: 28135145). It was not observed in the large and broad cohorts of the Genome Aggregation Database. The variant has been reported in ClinVar (Variation ID: 496224). The evidence is insufficient to meet ACMG/AMP criteria for classifying the variant as benign or pathogenic. Thus, the clinical significance of this variant is currently uncertain.

Quest Diagnostics Nichols Institute San Juan Capistrano
Classification: Uncertain significance. Last evaluated: 2021-09-05. Review status: criteria provided, single submitter. Criteria: Quest Diagnostics criteria. Collection method: clinical testing. Allele origin: unknown.

Literature cited by the submitters: PubMed 28135145 (cited by 3 submitters).